The following is an entry in ClinVar:

ClinVar aggregate classification (germline): Uncertain significance (1 of 4 stars; one submission).

Conditions:
Familial cold autoinflammatory syndrome 2 (FCAS2). Identifiers: Orphanet 247868, MedGen C2673198, MONDO:0012724, OMIM 611762.

gnomAD v4.1: 2 of 1,614,182 alleles (0.00012%); highest among the groups gnomAD compares: Admixed American, 0.0033%; no homozygotes.

Submission:

Labcorp Genetics (formerly Invitae), Labcorp
Classification: Uncertain significance for Familial cold autoinflammatory syndrome 2. Last evaluated: 2023-08-17. Review status: criteria provided, single submitter. Criteria: Invitae Variant Classification Sherloc (09022015). Collection method: clinical testing. Allele origin: germline.
Comment: In summary, the available evidence is currently insufficient to determine the role of this variant in disease. Therefore, it has been classified as a Variant of Uncertain Significance. Advanced modeling of protein sequence and biophysical properties (such as structural, functional, and spatial information, amino acid conservation, physicochemical variation, residue mobility, and thermodynamic stability) has been performed at Invitae for this missense variant, however the output from this modeling did not meet the statistical confidence thresholds required to predict the impact of this variant on NLRP12 protein function. This variant has not been reported in the literature in individuals affected with NLRP12-related conditions. This variant is present in population databases (rs369053968, gnomAD 0.006%). This sequence change replaces glycine, which is neutral and non-polar, with arginine, which is basic and polar, at codon 52 of the NLRP12 protein (p.Gly52Arg).

NM_144687.4(NLRP12):c.154G>C (p.Gly52Arg)

Gene: NLRP12 (NLR family pyrin domain containing 12; minus strand). Cytogenetic location: 19q13.42.
Variant type: single nucleotide variant.
Coding change: c.154G>C on transcript NM_144687.4 (MANE Select); coding-DNA position 154, G replaced by C.
Protein change: p.Gly52Arg; replaces glycine 52 with arginine.
Molecular consequence: missense variant.
Genome position (GRCh38, 1-based): chr19:53,824,021, C>G on the plus strand (G>C on the coding strand, the complement: NLRP12 is on the minus strand). VCF-style: chr19-53824021-C-G. GRCh37 (hg19) VCF-style: chr19-54327275-C-G.
Other names: c.154G>C, p.Gly52Arg (NM_001277126.2, NM_001277129.1); short protein forms G52R.
Identifiers: ClinVar variation 2916072 (VCV002916072.3), dbSNP rs369053968, ClinGen allele CA9639826.